The following is an entry in ClinVar:

ClinVar aggregate classification (germline): Uncertain significance (1 of 4 stars; one submission).

Submission:

GeneDx
Classification: Uncertain significance. Last evaluated: 2017-09-26. Review status: criteria provided, single submitter. Criteria: GeneDx Variant Classification (06012015). Collection method: clinical testing. Allele origin: germline. Affected: yes.
Comment: The F288L variant has not been published as a pathogenic variant, nor has it been reported as a benign variant to our knowledge. The F288L variant is not observed in large population cohorts (Lek et al., 2016). This variant is a conservative amino acid substitution, which is not likely to impact secondary protein structure as these residues share similar properties. This substitution occurs at a position where amino acids with similar properties to Phenylalanine are tolerated across species. However, in silico analysis is inconsistent in its predictions as to whether or not the variant is damaging to the protein structure/function.

NM_145239.3(PRRT2):c.864C>A (p.Phe288Leu)

Genes: MVP-DT (MVP divergent transcript; minus strand), PRRT2 (proline rich transmembrane protein 2; plus strand). Cytogenetic location: 16p11.2.
Variant type: single nucleotide variant.
Coding change: c.864C>A on transcript NM_145239.3 (MANE Select); coding-DNA position 864, C replaced by A.
Protein change: p.Phe288Leu; replaces phenylalanine 288 with leucine.
Molecular consequence: missense variant.
Genome position (GRCh38, 1-based): chr16:29,813,918, C>A. VCF-style: chr16-29813918-C-A. GRCh37 (hg19) VCF-style: chr16-29825239-C-A.
Other names: c.864C>A, p.Phe288Leu (NM_001256442.2, NM_001256443.2); short protein forms F288L.
Identifiers: ClinVar variation 452226 (VCV000452226.2), dbSNP rs1359563519, ClinGen allele CA395480186.